The following is an entry in ClinVar:

ClinVar aggregate classification (germline): Benign (1 of 4 stars; one submission).

Allele frequency attached by ClinVar (database versions not stated): gnomAD 0.12497 and 0.13156; TOPMed 0.12901; 1000 Genomes Project 30x 0.20081; 1000 Genomes Project 0.20667.
gnomAD v4.1: 19,910 of 152,192 alleles (13%); highest among the groups gnomAD compares: East Asian, 36%; 1,582 homozygotes.

Submission:

GeneDx
Classification: Benign. Last evaluated: 2018-06-19. Review status: criteria provided, single submitter. Criteria: GeneDx Variant Classification (06012015). Collection method: clinical testing. Allele origin: germline. Affected: yes.
Comment: This variant is considered likely benign or benign based on one or more of the following criteria: it is a conservative change, it occurs at a poorly conserved position in the protein, it is predicted to be benign by multiple in silico algorithms, and/or has population frequency not consistent with disease.

NM_001330260.2(SCN8A):c.3943-208G>A

Gene: SCN8A (sodium voltage-gated channel alpha subunit 8; plus strand). Cytogenetic location: 12q13.13.
Variant type: single nucleotide variant.
Coding change: c.3943-208G>A on transcript NM_001330260.2 (MANE Select); 208 bases into the intron before coding-DNA position 3943, G replaced by A.
Molecular consequence: intron variant.
Genome position (GRCh38, 1-based): chr12:51,786,334, G>A. VCF-style: chr12-51786334-G-A. GRCh37 (hg19) VCF-style: chr12-52180118-G-A.
Other names: c.3943-208G>A (NM_014191.4); c.3820-208G>A (NM_001177984.3, NM_001369788.1).
Identifiers: ClinVar variation 670540 (VCV000670540.1), dbSNP rs1439791, ClinGen allele CA236328087.
Genomic context (GRCh38, chr12:51,786,334, plus strand): 5'-TGCATAGGAAAGAAGACCTAGGTCAGCTTGGCTGGGGAATTTGTGTTAGTCAAAATAAAG[G>A]TGTAACTTTTTAAAATTCCTTCAATATAGTCCTAGACTTAGAAATTTTTGGTCCTACTTG-3'